The following is an entry in ClinVar:

NM_002230.4(JUP):c.1987C>T (p.Arg663Cys)

Gene: JUP (junction plakoglobin; minus strand). Cytogenetic location: 17q21.2.
Variant type: single nucleotide variant.
Coding change: c.1987C>T on transcript NM_002230.4 (MANE Select); coding-DNA position 1987, C replaced by T.
Protein change: p.Arg663Cys; replaces arginine 663 with cysteine.
Molecular consequence: missense variant.
Genome position (GRCh38, 1-based): chr17:41,757,474, G>A on the plus strand (C>T on the coding strand, the complement: JUP is on the minus strand). VCF-style: chr17-41757474-G-A. GRCh37 (hg19) VCF-style: chr17-39913726-G-A.
Other names: c.1987C>T, p.Arg663Cys (NM_001352773.2, NM_001352774.2, NM_001352775.2 and 3 more transcripts); short protein forms R663C.
Identifiers: ClinVar variation 2930499 (VCV002930499.3), dbSNP rs782138974, ClinGen allele CA8565055.
Genomic context (GRCh38, chr17:41,757,474, plus strand): 5'-CAGCCTCCCAGGCAGCCGGGTCATGCTTGAAGAGGGAGTTGGTGAGCTCCACGGACACGC[G>A]CTTCCGGTAGTCTGGGTTCTTGTCCTCGGAGATGCGGAACAGGACGGCAGCAGCGTAGGT-3'
Protein context (NP_002221.1, residues 653-673): SEDKNPDYRK[Arg663Cys]VSVELTNSLF

ClinVar aggregate classification (germline): Uncertain significance (1 of 4 stars; one submission).

Conditions:
Naxos disease (NXD). Also called: KERATOSIS PALMOPLANTARIS WITH ARRHYTHMOGENIC CARDIOMYOPATHY; MAL DE NAXOS; PALMOPLANTAR KERATODERMA WITH ARRHYTHMOGENIC RIGHT VENTRICULAR CARDIOMYOPATHY AND WOOLLY HAIR; WOOLLY HAIR, PALMOPLANTAR KERATODERMA, AND CARDIAC ABNORMALITIES; CARDIOMYOPATHY, ARRHYTHMOGENIC RIGHT VENTRICULAR, WITH SKIN, HAIR, AND NAIL ABNORMALITIES. Identifiers: Orphanet 34217, MedGen C1832600, MONDO:0011017, OMIM 601214.
Arrhythmogenic right ventricular dysplasia 12. Also called: ARRHYTHMOGENIC RIGHT VENTRICULAR DYSPLASIA, FAMILIAL, 12. Identifiers: MedGen C1969081, MONDO:0012684, OMIM 611528.

Allele frequency attached by ClinVar (database versions not stated): gnomAD exomes below 0.00001; ExAC 0.00001; gnomAD 0.00001.
gnomAD v4.1: 7 of 1,614,088 alleles (0.00043%); highest among the groups gnomAD compares: South Asian, 0.0044%; no homozygotes.

Submission:

Labcorp Genetics (formerly Invitae), Labcorp
Classification: Uncertain significance for Arrhythmogenic right ventricular dysplasia 12; Naxos disease. Last evaluated: 2024-10-04. Review status: criteria provided, single submitter. Criteria: Invitae Variant Classification Sherloc (09022015). Collection method: clinical testing. Allele origin: germline.
Comment: This sequence change replaces arginine, which is basic and polar, with cysteine, which is neutral and slightly polar, at codon 663 of the JUP protein (p.Arg663Cys). This variant is present in population databases (rs782138974, gnomAD 0.006%). This variant has not been reported in the literature in individuals affected with JUP-related conditions. An algorithm developed to predict the effect of missense changes on protein structure and function (PolyPhen-2) suggests that this variant is likely to be tolerated. In summary, the available evidence is currently insufficient to determine the role of this variant in disease. Therefore, it has been classified as a Variant of Uncertain Significance.